The following is an entry in ClinVar:

ClinVar aggregate classification (germline): Pathogenic/Likely pathogenic. Review status: criteria provided, multiple submitters, no conflicts (2 of 4 stars). 5 submissions from 5 submitters: Pathogenic (4); Likely pathogenic (1). Last evaluated 2025-01-08.

Conditions:
Deficiency of alpha-mannosidase (MANSA). Also called: LYSOSOMAL ALPHA-D-MANNOSIDASE DEFICIENCY; Mannosidosis, alpha-, types I and II; Alpha-Mannosidosis. Identifiers: Orphanet 61, MedGen C0024748, MONDO:0009561, OMIM 248500.

gnomAD v4.1: 1 of 1,614,140 alleles (0.000062%); highest among the groups gnomAD compares: Non-Finnish European, 0.000085%; no homozygotes.

Submissions (5):

Natera, Inc.
Classification: Pathogenic for Alpha-mannosidosis. Last evaluated: 2025-01-08. Review status: criteria provided, single submitter. Criteria: Natera Variant Classification Schema (03/2026). Collection method: clinical testing. Allele origin: germline.
Comment: The c.1203C>G variant in MAN2B1 is a nonsense variant predicted to introduce a stop codon at amino acid 401. This variant is expected to result in nonsense mediated decay, truncation, or a dysfunctional protein product. This variant is rare in the general population with a frequency below the threshold expected for the associated phenotype(s). This variant has been observed in one or more individuals affected with the associated recessive disease, as either homozygous or compound heterozygous with a second variant (PMID: 33317989). Given the available evidence, this variant is classified as Pathogenic.

Fulgent Genetics
Classification: Likely pathogenic for Deficiency of alpha-mannosidase. Last evaluated: 2024-02-25. Review status: criteria provided, single submitter. Criteria: ACMG Guidelines, 2015. Collection method: clinical testing. Allele origin: germline.

Labcorp Genetics (formerly Invitae), Labcorp
Classification: Pathogenic for Deficiency of alpha-mannosidase. Last evaluated: 2022-10-20. Review status: criteria provided, single submitter. Criteria: Invitae Variant Classification Sherloc (09022015). Collection method: clinical testing. Allele origin: germline.
Comment: This variant is not present in population databases (gnomAD no frequency). For these reasons, this variant has been classified as Pathogenic. ClinVar contains an entry for this variant (Variation ID: 623335). This premature translational stop signal has been observed in individual(s) with an abnormality of the cardiovascular system (PMID: 26633542). This sequence change creates a premature translational stop signal (p.Tyr401*) in the MAN2B1 gene. It is expected to result in an absent or disrupted protein product. Loss-of-function variants in MAN2B1 are known to be pathogenic (PMID: 9915946, 22161967).

Genome-Nilou Lab
Classification: Pathogenic for Deficiency of alpha-mannosidase. Last evaluated: 2021-09-05. Review status: criteria provided, single submitter. Criteria: ACMG Guidelines, 2015. Collection method: clinical testing. Allele origin: germline. Affected: no.

Department of Genetics, Sultan Qaboos University Hospital
Classification: Pathogenic for Deficiency of alpha-mannosidase. Last evaluated: 2017-12-30. Review status: criteria provided, single submitter. Criteria: ACMG Guidelines, 2015. Collection method: curation. Allele origin: unknown. Affected: yes.

Literature cited by the submitters: PubMed 33317989 (cited by Natera, Inc.); PubMed 26633542 (cited by Labcorp Genetics (formerly Invitae), Labcorp); PubMed 9915946 (cited by Labcorp Genetics (formerly Invitae), Labcorp); PubMed 22161967 (cited by Labcorp Genetics (formerly Invitae), Labcorp).

NM_000528.4(MAN2B1):c.1203C>G (p.Tyr401Ter)

Gene: MAN2B1 (mannosidase alpha class 2B member 1; minus strand). Cytogenetic location: 19p13.13.
Variant type: single nucleotide variant.
Coding change: c.1203C>G on transcript NM_000528.4 (MANE Select); coding-DNA position 1203, C replaced by G.
Protein change: p.Tyr401Ter; replaces tyrosine 401 with a stop codon.
Molecular consequence: nonsense.
Genome position (GRCh38, 1-based): chr19:12,658,251, G>C on the plus strand (C>G on the coding strand, the complement: MAN2B1 is on the minus strand). VCF-style: chr19-12658251-G-C. GRCh37 (hg19) VCF-style: chr19-12769065-G-C.
Other names: c.1200C>G, p.Tyr400Ter (NM_001173498.2); short protein forms Y401*, Y400*.
Identifiers: ClinVar variation 623335 (VCV000623335.10), dbSNP rs781291011, ClinGen allele CA404247900.
Genomic context (GRCh38, chr19:12,658,251, plus strand): 5'-CTGCATGCCCCCTCTAGCCCGGCTCCTACCCACCTGCAGGAAGTTGTAGCTGAGGCGCTC[G>C]TAGCGTTTGAGGGCCGGCCGACTGGAAAAGTAACCGGTCCAGAACTGGTGGGGGCCATCC-3'